The following is an entry in ClinVar:

NM_020207.7(ERCC6L2):c.1906A>T (p.Thr636Ser)

Gene: ERCC6L2 (ERCC excision repair 6 like 2; plus strand). Cytogenetic location: 9q22.32.
Variant type: single nucleotide variant.
Coding change: c.1906A>T on transcript NM_020207.7 (MANE Select); coding-DNA position 1906, A replaced by T.
Protein change: p.Thr636Ser; replaces threonine 636 with serine.
Molecular consequence: missense variant. On other transcripts: non-coding transcript variant (1).
Genome position (GRCh38, 1-based): chr9:95,955,972, A>T. VCF-style: chr9-95955972-A-T. GRCh37 (hg19) VCF-style: chr9-98718254-A-T.
Other names: c.1906A>T, p.Thr636Ser (NM_001010895.4, NM_001375291.1, NM_001375292.1 and 2 more transcripts); short protein forms T636S.
Identifiers: ClinVar variation 4019346 (VCV004019346.1).
Genomic context (GRCh38, chr9:95,955,972, plus strand): 5'-AGAGCATATAGGATTGGACAATGTAGAGATGTCAAAGTGCTTAGGCTGATATCCTTGGGA[A>T]CTGTGGAGGAAATCATGTATTTACGACAGATATACAAGCAGGTAAATATGTTTCCCTTTT-3'
Protein context (NP_064592.3, residues 626-646): VKVLRLISLG[Thr636Ser]VEEIMYLRQI

ClinVar aggregate classification (germline): Uncertain significance (1 of 4 stars; one submission).

Conditions:
Inborn genetic diseases. Identifiers: MedGen C0950123, MeSH D030342.

Submission:

Ambry Genetics
Classification: Uncertain significance for Inborn genetic diseases. Last evaluated: 2025-05-08. Review status: criteria provided, single submitter. Criteria: Ambry Variant Classification Scheme 2023. Collection method: clinical testing. Allele origin: germline.
Comment: The p.T636S variant (also known as c.1906A>T), located in coding exon 13 of the ERCC6L2 gene, results from an A to T substitution at nucleotide position 1906. The threonine at codon 636 is replaced by serine, an amino acid with similar properties. This amino acid position is conserved. In addition, the in silico prediction for this alteration is inconclusive. Based on the available evidence, the clinical significance of this variant remains unclear.